The following is an entry in ClinVar:

ClinVar aggregate classification (germline): Uncertain significance. Review status: criteria provided, multiple submitters, no conflicts (2 of 4 stars). 5 submissions from 3 submitters: Uncertain significance (5). Last evaluated 2022-08-16.

Conditions:
Amyotrophic lateral sclerosis type 5 (ALS5). Also called: AMYOTROPHIC LATERAL SCLEROSIS 5, JUVENILE. Identifiers: Orphanet 300605, MedGen C1865864, MONDO:0011196, OMIM 602099.
Hereditary spastic paraplegia 11. Also called: Spastic Paraplegia 11; Nakamura Osame syndrome; Autosomal recessive hereditary spastic paraplegia, mental impairment, and thin corpus callosum; SPASTIC PARAPLEGIA, AUTOSOMAL RECESSIVE, COMPLICATED, WITH THIN CORPUS CALLOSUM; SPASTIC PARAPLEGIA, AUTOSOMAL RECESSIVE, WITH MENTAL IMPAIRMENT AND THIN CORPUS CALLOSUM; Spastic paraplegia, mental retardation and thin corpus callosum. Identifiers: Orphanet 2822, MedGen C1858479, MONDO:0011445, OMIM 604360.
Charcot-Marie-Tooth disease axonal type 2X. Also called: CHARCOT-MARIE-TOOTH DISEASE, AXONAL, AUTOSOMAL RECESSIVE, TYPE 2X; CHARCOT-MARIE-TOOTH NEUROPATHY, TYPE 2X. Identifiers: Orphanet 466775, MedGen C5569024, MONDO:0014726, OMIM 616668.
Hereditary spastic paraplegia. Also called: Familial spastic paraparesis. Identifiers: Orphanet 685, MedGen C0037773, MONDO:0019064. Disease mechanism: loss of function.

Allele frequency attached by ClinVar (database versions not stated): gnomAD 0.00003; ExAC 0.00004; gnomAD exomes 0.00004 and 0.00006; 1000 Genomes Project 30x 0.00016; 1000 Genomes Project 0.00020.
gnomAD v4.1: 58 of 1,614,102 alleles (0.0036%); highest among the groups gnomAD compares: South Asian, 0.063%; no homozygotes.

Submissions (5):

Labcorp Genetics (formerly Invitae), Labcorp
Classification: Uncertain significance for Hereditary spastic paraplegia 11. Last evaluated: 2022-08-16. Review status: criteria provided, single submitter. Criteria: Invitae Variant Classification Sherloc (09022015). Collection method: clinical testing. Allele origin: germline.
Comment: This sequence change replaces threonine, which is neutral and polar, with serine, which is neutral and polar, at codon 1121 of the SPG11 protein (p.Thr1121Ser). This variant is present in population databases (rs552471760, gnomAD 0.05%). This variant has not been reported in the literature in individuals affected with SPG11-related conditions. ClinVar contains an entry for this variant (Variation ID: 1344089). Algorithms developed to predict the effect of missense changes on protein structure and function are either unavailable or do not agree on the potential impact of this missense change (SIFT: "Tolerated"; PolyPhen-2: "Possibly Damaging"; Align-GVGD: "Class C0"). In summary, the available evidence is currently insufficient to determine the role of this variant in disease. Therefore, it has been classified as a Variant of Uncertain Significance.

Genome Diagnostics Laboratory, The Hospital for Sick Children
Classification: Uncertain significance for Hereditary spastic paraplegia. Last evaluated: 2016-12-12. Review status: criteria provided, single submitter. Criteria: ACMG Guidelines, 2015. Collection method: clinical testing. Allele origin: germline. Affected: yes.

Genome-Nilou Lab
Classification: Uncertain significance for Amyotrophic lateral sclerosis type 5. Review status: criteria provided, single submitter. Criteria: ACMG Guidelines, 2015. Collection method: clinical testing. Allele origin: germline.

Genome-Nilou Lab
Classification: Uncertain significance for Charcot-Marie-Tooth disease axonal type 2X. Review status: criteria provided, single submitter. Criteria: ACMG Guidelines, 2015. Collection method: clinical testing. Allele origin: germline.

Genome-Nilou Lab
Classification: Uncertain significance for Hereditary spastic paraplegia 11. Review status: criteria provided, single submitter. Criteria: ACMG Guidelines, 2015. Collection method: clinical testing. Allele origin: germline.

NM_025137.4(SPG11):c.3362C>G (p.Thr1121Ser)

Gene: SPG11 (SPG11 vesicle trafficking associated, spatacsin; minus strand). Cytogenetic location: 15q21.1.
Variant type: single nucleotide variant.
Coding change: c.3362C>G on transcript NM_025137.4 (MANE Select); coding-DNA position 3362, C replaced by G.
Protein change: p.Thr1121Ser; replaces threonine 1121 with serine.
Molecular consequence: missense variant.
Genome position (GRCh38, 1-based): chr15:44,608,535, G>C on the plus strand (C>G on the coding strand, the complement: SPG11 is on the minus strand). VCF-style: chr15-44608535-G-C. GRCh37 (hg19) VCF-style: chr15-44900733-G-C.
Other names: c.3362C>G, p.Thr1121Ser (NM_001160227.2); short protein forms T1121S.
Identifiers: ClinVar variation 1344089 (VCV001344089.9), dbSNP rs552471760, ClinGen allele CA7534992.